The following is an entry in ClinVar:

ClinVar aggregate classification (germline): Likely pathogenic (1 of 4 stars; one submission).

Submission:

Labcorp Genetics (formerly Invitae), Labcorp
Classification: Likely pathogenic. Last evaluated: 2020-10-11. Review status: criteria provided, single submitter. Criteria: Invitae Variant Classification Sherloc (09022015). Collection method: clinical testing. Allele origin: germline.
Comment: In summary, the currently available evidence indicates that the variant is pathogenic, but additional data are needed to prove that conclusively. Therefore, this variant has been classified as Likely Pathogenic. This variant disrupts the p.Ile221 amino acid residue in LPL. Other variant(s) that disrupt this residue have been determined to be pathogenic (PMID: 1674945, 1702428, 15877202, 25966443). This suggests that this residue is clinically significant, and that variants that disrupt this residue are likely to be disease-causing. Advanced modeling of protein sequence and biophysical properties (such as structural, functional, and spatial information, amino acid conservation, physicochemical variation, residue mobility, and thermodynamic stability) performed at Invitae indicates that this missense variant is expected to disrupt LPL protein function. This variant has not been reported in the literature in individuals with LPL-related conditions. This variant is not present in population databases (ExAC no frequency). This sequence change replaces isoleucine with phenylalanine at codon 221 of the LPL protein (p.Ile221Phe). The isoleucine residue is highly conserved and there is a small physicochemical difference between isoleucine and phenylalanine.

Literature cited by the submitters: PubMed 1674945; PubMed 1702428; PubMed 15877202; PubMed 25966443.

NM_000237.3(LPL):c.661A>T (p.Ile221Phe)

Gene: LPL (lipoprotein lipase; plus strand). Cytogenetic location: 8p21.3.
Variant type: single nucleotide variant.
Coding change: c.661A>T on transcript NM_000237.3 (MANE Select); coding-DNA position 661, A replaced by T.
Protein change: p.Ile221Phe; replaces isoleucine 221 with phenylalanine.
Molecular consequence: missense variant.
Genome position (GRCh38, 1-based): chr8:19,954,239, A>T. VCF-style: chr8-19954239-A-T. GRCh37 (hg19) VCF-style: chr8-19811750-A-T.
Other names: short protein forms I221F.
Identifiers: ClinVar variation 1066136 (VCV001066136.5), dbSNP rs2128838178, ClinGen allele CA370468499.
Genomic context (GRCh38, chr8:19,954,239, plus strand): 5'-GATGATGCAGATTTTGTAGACGTCTTACACACATTCACCAGAGGGTCCCCTGGTCGAAGC[A>T]TTGGAATCCAGAAACCAGTTGGGCATGTTGACATTTACCCGAATGGAGGTACTTTTCAGC-3'
Protein context (NP_000228.1, residues 211-231): TFTRGSPGRS[Ile221Phe]GIQKPVGHVD